The following is an entry in ClinVar:

ClinVar aggregate classification (germline): Uncertain significance (1 of 4 stars; one submission).

Conditions:
Epilepsy, familial focal, with variable foci 3 (FFEVF3). Identifiers: MedGen C4310708, MONDO:0014925, OMIM 617118.

Allele frequency attached by ClinVar (database versions not stated): gnomAD exomes below 0.00001.
gnomAD v4.1: 1 of 1,561,268 alleles (0.000064%); highest among the groups gnomAD compares: South Asian, 0.0012%; no homozygotes.

Submission:

Labcorp Genetics (formerly Invitae), Labcorp
Classification: Uncertain significance for Epilepsy, familial focal, with variable foci 3. Last evaluated: 2021-10-29. Review status: criteria provided, single submitter. Criteria: Invitae Variant Classification Sherloc (09022015). Collection method: clinical testing. Allele origin: germline.
Comment: This variant is not present in population databases (gnomAD no frequency). This variant has not been reported in the literature in individuals affected with NPRL3-related conditions. Experimental studies and prediction algorithms are not available or were not evaluated, and the functional significance of this variant is currently unknown. In summary, the available evidence is currently insufficient to determine the role of this variant in disease. Therefore, it has been classified as a Variant of Uncertain Significance. This sequence change replaces proline, which is neutral and non-polar, with serine, which is neutral and polar, at codon 327 of the NPRL3 protein (p.Pro327Ser).

NM_001077350.3(NPRL3):c.979C>T (p.Pro327Ser)

Genes: HBA-LCR (alpha-globin locus control region; plus strand), NPRL3 (NPR3 like, GATOR1 complex subunit; minus strand). Cytogenetic location: 16p13.3.
Variant type: single nucleotide variant.
Coding change: c.979C>T on transcript NM_001077350.3 (MANE Select); coding-DNA position 979, C replaced by T.
Protein change: p.Pro327Ser; replaces proline 327 with serine.
Molecular consequence: missense variant.
Genome position (GRCh38, 1-based): chr16:93,271, G>A on the plus strand (C>T on the coding strand, the complement: NPRL3 is on the minus strand). VCF-style: chr16-93271-G-A. GRCh37 (hg19) VCF-style: chr16-143269-G-A.
Other names: c.442C>T, p.Pro148Ser (NM_001039476.3); c.745C>T, p.Pro249Ser (NM_001243247.2); c.904C>T, p.Pro302Ser (NM_001243248.2, NM_001243249.2); short protein forms P302S, P148S, P249S, P327S.
Identifiers: ClinVar variation 1485446 (VCV001485446.6), dbSNP rs2141909329, ClinGen allele CA394053576.